The following is an entry in ClinVar:

NM_021930.6(RINT1):c.1711G>T (p.Ala571Ser)

Gene: RINT1 (RAD50 interactor 1; plus strand). Cytogenetic location: 7q22.3.
Variant type: single nucleotide variant.
Coding change: c.1711G>T on transcript NM_021930.6 (MANE Select); coding-DNA position 1711, G replaced by T.
Protein change: p.Ala571Ser; replaces alanine 571 with serine.
Molecular consequence: missense variant. On other transcripts: non-coding transcript variant (1).
Genome position (GRCh38, 1-based): chr7:105,563,772, G>T. VCF-style: chr7-105563772-G-T. GRCh37 (hg19) VCF-style: chr7-105204219-G-T.
Other names: c.1477G>T, p.Ala493Ser (NM_001346599.2); c.688G>T, p.Ala230Ser (NM_001346600.2, NM_001346603.2); c.787G>T, p.Ala263Ser (NM_001346601.2); short protein forms A230S, A263S, A571S, A493S.
Identifiers: ClinVar variation 1778574 (VCV001778574.2), dbSNP rs1791555375, ClinGen allele CA368813588.
Genomic context (GRCh38, chr7:105,563,772, plus strand): 5'-TTAACATGTTTTTGCTTTCAGTTCTTTCTACAACTTCAACAGGCTGCACTGGAGGTGTTT[G>T]CAGAGAATAATACTCTGAGTAAATTGCAGCTAGGACAGCTAGCCTCTATGGAGAGCTCTG-3'
Protein context (NP_068749.3, residues 561-581): QLQQAALEVF[Ala571Ser]ENNTLSKLQL

ClinVar aggregate classification (germline): Uncertain significance (1 of 4 stars; one submission).

Submission:

Ambry Genetics
Classification: Uncertain significance. Last evaluated: 2022-05-23. Review status: criteria provided, single submitter. Criteria: Ambry Variant Classification Scheme 2023. Collection method: clinical testing. Allele origin: germline.
Comment: The p.A571S variant (also known as c.1711G>T), located in coding exon 12 of the RINT1 gene, results from a G to T substitution at nucleotide position 1711. The alanine at codon 571 is replaced by serine, an amino acid with similar properties. This amino acid position is conserved. In addition, this alteration is predicted to be tolerated by in silico analysis. Since supporting evidence is limited at this time, the clinical significance of this alteration remains unclear.